The following is an entry in ClinVar:

NM_001100913.3(PACS2):c.1662G>T (p.Lys554Asn)

Gene: PACS2 (phosphofurin acidic cluster sorting protein 2; plus strand). Cytogenetic location: 14q32.33.
Variant type: single nucleotide variant.
Coding change: c.1662G>T on transcript NM_001100913.3 (MANE Select); coding-DNA position 1662, G replaced by T.
Protein change: p.Lys554Asn; replaces lysine 554 with asparagine.
Molecular consequence: missense variant.
Genome position (GRCh38, 1-based): chr14:105,383,395, G>T. VCF-style: chr14-105383395-G-T. GRCh37 (hg19) VCF-style: chr14-105849732-G-T.
Other names: c.1425G>T, p.Lys475Asn (NM_001243127.3); c.1650G>T, p.Lys550Asn (NM_015197.4); short protein forms K475N, K554N, K550N.
Identifiers: ClinVar variation 3654002 (VCV003654002.2).
Genomic context (GRCh38, chr14:105,383,395, plus strand): 5'-GTCCCACCTGCCTCTGGATTGCAGCTGCAACTGCAATTCCCAGCCCCCGACCCCCGTGAA[G>T]ATCGCCGTGGCGGGAGCGCAGCATTACCTCAGTGCCATCCTGCGGCTCTTTGTGGAGCAG-3'
Protein context (NP_001094383.2, residues 544-564): NCNSQPPTPV[Lys554Asn]IAVAGAQHYL

ClinVar aggregate classification (germline): Uncertain significance (1 of 4 stars; one submission).

Submission:

Labcorp Genetics (formerly Invitae), Labcorp
Classification: Uncertain significance. Last evaluated: 2024-05-21. Review status: criteria provided, single submitter. Criteria: Invitae Variant Classification Sherloc (09022015). Collection method: clinical testing. Allele origin: germline.
Comment: This sequence change replaces lysine, which is basic and polar, with asparagine, which is neutral and polar, at codon 554 of the PACS2 protein (p.Lys554Asn). This variant is not present in population databases (gnomAD no frequency). This variant has not been reported in the literature in individuals affected with PACS2-related conditions. Advanced modeling of protein sequence and biophysical properties (such as structural, functional, and spatial information, amino acid conservation, physicochemical variation, residue mobility, and thermodynamic stability) performed at Invitae indicates that this missense variant is expected to disrupt PACS2 protein function with a positive predictive value of 80%. In summary, the available evidence is currently insufficient to determine the role of this variant in disease. Therefore, it has been classified as a Variant of Uncertain Significance.